The following is an entry in ClinVar:

NM_001134407.3(GRIN2A):c.2744T>C (p.Met915Thr)

Gene: GRIN2A (glutamate ionotropic receptor NMDA type subunit 2A; minus strand). Cytogenetic location: 16p13.2.
Variant type: single nucleotide variant.
Coding change: c.2744T>C on transcript NM_001134407.3 (MANE Select); coding-DNA position 2744, T replaced by C.
Protein change: p.Met915Thr; replaces methionine 915 with threonine.
Molecular consequence: missense variant.
Genome position (GRCh38, 1-based): chr16:9,764,800, A>G on the plus strand (T>C on the coding strand, the complement: GRIN2A is on the minus strand). VCF-style: chr16-9764800-A-G. GRCh37 (hg19) VCF-style: chr16-9858657-A-G.
Other names: c.2744T>C, p.Met915Thr (NM_000833.5, NM_001134408.2); short protein forms M915T.
Identifiers: ClinVar variation 411293 (VCV000411293.9), dbSNP rs1060503231, ClinGen allele CA16615071.
Genomic context (GRCh38, chr16:9,764,800, plus strand): 5'-ACCATGTCCATGATGAGGGAACCTCTTTGGATGAAGTCAGCAGCTCTTTTGGGTGAGTCC[A>G]TTCTTGAGGAGTTCATGTTGGACATGCTGGAAATGTTTTTGGCTGACCGGAGGAGTTTTA-3'
Protein context (NP_001127879.1, residues 905-925): SSMSNMNSSR[Met915Thr]DSPKRAADFI

ClinVar aggregate classification (germline): Uncertain significance (1 of 4 stars; one submission).

Conditions:
Landau-Kleffner syndrome (FESD). Also called: EPILEPSY, FOCAL, WITH SPEECH DISORDER AND WITH OR WITHOUT MENTAL RETARDATION; APHASIA, ACQUIRED, WITH EPILEPSY. Identifiers: Orphanet 1945, Orphanet 725, Orphanet 98818, MedGen C0282512, MONDO:0009509, OMIM 245570.

Submission:

Labcorp Genetics (formerly Invitae), Labcorp
Classification: Uncertain significance for Landau-Kleffner syndrome. Last evaluated: 2016-07-19. Review status: criteria provided, single submitter. Criteria: Invitae Variant Classification Sherloc (09022015). Collection method: clinical testing. Allele origin: germline.
Comment: This sequence change replaces methionine with threonine at codon 915 of the GRIN2A protein (p.Met915Thr). The methionine residue is moderately conserved and there is a moderate physicochemical difference between methionine and threonine. This variant is not present in population databases (ExAC no frequency) and has not been reported in the literature in individuals with a GRIN2A-related disease. Algorithms developed to predict the effect of missense changes on protein structure and function (SIFT, PolyPhen-2, Align-GVGD) all suggest that this variant is likely to be tolerated, but these predictions have not been confirmed by published functional studies. In summary, this variant is a novel missense change that is not predicted to affect protein function. There is no indication that it causes disease, but the available evidence is currently insufficient to prove that conclusively. Therefore, it has been classified as a Variant of Uncertain Significance.